The following is an entry in ClinVar:

Conditions:
Breast-ovarian cancer, familial, susceptibility to, 1 (BROVCA1). Also called: BRCA1 Hereditary Breast and Ovarian Cancer; OVARIAN CANCER, SUSCEPTIBILITY TO. Identifiers: Orphanet 145, MedGen C2676676, MONDO:0011450, OMIM 604370. Disease mechanism: loss of function.

Submission:

Brotman Baty Institute, University of Washington
No classification provided (evidence only). Condition: Breast-ovarian cancer, familial 1. Review status: no classification provided. Collection method: in vitro. Allele origin: not applicable. Functional consequence: functionally_normal.
ClinVar note: "not provided" was previously submitted as the classification for the variant. However, the classification appeared to be based only on an observation of functional data so it was converted to no classification on 2025-07-30.

NM_007294.4(BRCA1):c.5551G>T (p.Asp1851Tyr)

Gene: BRCA1 (BRCA1 DNA repair associated; minus strand). Cytogenetic location: 17q21.31.
Variant type: single nucleotide variant.
Coding change: c.5551G>T on transcript NM_007294.4 (MANE Select); coding-DNA position 5551, G replaced by T.
Protein change: p.Asp1851Tyr; replaces aspartic acid 1851 with tyrosine.
Molecular consequence: missense variant. On other transcripts: 3 prime UTR variant (1), non-coding transcript variant (1).
Genome position (GRCh38, 1-based): chr17:43,045,719, C>A on the plus strand (G>T on the coding strand, the complement: BRCA1 is on the minus strand). VCF-style: chr17-43045719-C-A. GRCh37 (hg19) VCF-style: chr17-41197736-C-A.
Other names: c.5614G>T, p.Asp1872Tyr (NM_001407587.1, NM_007300.4, NM_001407583.1 and 1 more transcripts); c.5611G>T, p.Asp1871Tyr (NM_001407590.1, NM_001407591.1); c.5551G>T, p.Asp1851Tyr (NM_001407593.1, NM_001407594.1, NM_001407596.1 and 5 more transcripts); c.5548G>T, p.Asp1850Tyr (NM_001407610.1, NM_001407611.1, NM_001407612.1 and 14 more transcripts); c.5545G>T, p.Asp1849Tyr (NM_001407628.1, NM_001407629.1, NM_001407630.1 and 13 more transcripts); c.5494G>T, p.Asp1832Tyr (NM_001407648.1); c.5491G>T, p.Asp1831Tyr (NM_001407649.1); c.5473G>T, p.Asp1825Tyr (NM_001407652.1, NM_001407653.1, NM_001407654.1 and 1 more transcripts); and 74 more; short protein forms D1872Y, D1851Y, D747Y, D1804Y, D1825Y, D1831Y, D1832Y, D571Y.
Identifiers: ClinVar variation 868657 (VCV000868657.3), dbSNP rs2050862880, ClinGen allele CA10590218.